The following is an entry in ClinVar:

ClinVar aggregate classification (germline): Benign/Likely benign. Review status: criteria provided, multiple submitters, no conflicts (2 of 4 stars). 3 submissions from 3 submitters: Benign (1); Likely benign (2). Last evaluated 2024-07-18.

Conditions:
Hereditary cancer-predisposing syndrome. Also called: Tumor predisposition; Neoplastic Syndromes, Hereditary; Hereditary Cancer Syndrome; Hereditary neoplastic syndrome. Identifiers: Orphanet 140162, MedGen C0027672, MeSH D009386, MONDO:0015356.
BAP1-related tumor predisposition syndrome (TPDS1). Also called: BAP1 tumor predisposition syndrome; COMMON Syndrome; TUMOR PREDISPOSITION SYNDROME 1; Tumor susceptibility linked to germline BAP1 mutations. Identifiers: Orphanet 289539, MedGen C3280492, MONDO:0013692, OMIM 614327.

Submissions (3):

Myriad Genetics, Inc.
Classification: Benign for BAP1-related tumor predisposition syndrome. Last evaluated: 2024-07-18. Review status: criteria provided, single submitter. Criteria: Myriad Autosomal Dominant, Autosomal Recessive and X-Linked Classification Criteria (2023). Collection method: clinical testing. Allele origin: unknown.
Comment: This variant is considered benign. This variant is a silent/synonymous amino acid change and it is not expected to impact splicing.

Labcorp Genetics (formerly Invitae), Labcorp
Classification: Likely benign for BAP1-related tumor predisposition syndrome. Last evaluated: 2024-05-18. Review status: criteria provided, single submitter. Criteria: Invitae Variant Classification Sherloc (09022015). Collection method: clinical testing. Allele origin: germline.

Ambry Genetics
Classification: Likely benign for Hereditary cancer-predisposing syndrome. Last evaluated: 2021-03-28. Review status: criteria provided, single submitter. Criteria: Ambry Variant Classification Scheme 2023. Collection method: clinical testing. Allele origin: germline.

NM_004656.4(BAP1):c.2085C>T (p.Asn695=)

Gene: BAP1 (BRCA1 associated deubiquitinase 1; minus strand). Cytogenetic location: 3p21.1.
Variant type: single nucleotide variant.
Coding change: c.2085C>T on transcript NM_004656.4 (MANE Select); coding-DNA position 2085, C replaced by T.
Protein change: p.Asn695=; no amino-acid change (asparagine 695 retained).
Molecular consequence: synonymous variant.
Genome position (GRCh38, 1-based): chr3:52,402,393, G>A on the plus strand (C>T on the coding strand, the complement: BAP1 is on the minus strand). VCF-style: chr3-52402393-G-A. GRCh37 (hg19) VCF-style: chr3-52436409-G-A.
Identifiers: ClinVar variation 1157564 (VCV001157564.10), dbSNP rs2153226116, ClinGen allele CA433886059.